The following is an entry in ClinVar:

NM_000465.4(BARD1):c.1741C>G (p.Gln581Glu)

Gene: BARD1 (BRCA1 associated RING domain 1; minus strand). Cytogenetic location: 2q35.
Variant type: single nucleotide variant.
Coding change: c.1741C>G on transcript NM_000465.4 (MANE Select); coding-DNA position 1741, C replaced by G.
Protein change: p.Gln581Glu; replaces glutamine 581 with glutamic acid.
Molecular consequence: missense variant. On other transcripts: non-coding transcript variant (3), intron variant (1).
Genome position (GRCh38, 1-based): chr2:214,745,791, G>C on the plus strand (C>G on the coding strand, the complement: BARD1 is on the minus strand). VCF-style: chr2-214745791-G-C. GRCh37 (hg19) VCF-style: chr2-215610515-G-C.
Other names: c.1684C>G, p.Gln562Glu (NM_001282543.2); c.388C>G, p.Gln130Glu (NM_001282545.2); c.331C>G, p.Gln111Glu (NM_001282548.2); c.365-15283C>G (NM_001282549.2); short protein forms Q130E, Q562E, Q581E, Q111E.
Identifiers: ClinVar variation 2787775 (VCV002787775.3), dbSNP rs2106021020, ClinGen allele CA350453023.

ClinVar aggregate classification (germline): Uncertain significance (1 of 4 stars; one submission).

Conditions:
Familial cancer of breast. Also called: Hereditary breast cancer; BREAST CANCER, FAMILIAL; hereditary breast carcinoma. Identifiers: Orphanet 227535, MedGen C0346153, MONDO:0016419, OMIM 114480. Disease mechanism: loss of function.

Submission:

Labcorp Genetics (formerly Invitae), Labcorp
Classification: Uncertain significance for Familial cancer of breast. Last evaluated: 2023-06-04. Review status: criteria provided, single submitter. Criteria: Invitae Variant Classification Sherloc (09022015). Collection method: clinical testing. Allele origin: germline.
Comment: In summary, the available evidence is currently insufficient to determine the role of this variant in disease. Therefore, it has been classified as a Variant of Uncertain Significance. This sequence change replaces glutamine, which is neutral and polar, with glutamic acid, which is acidic and polar, at codon 581 of the BARD1 protein (p.Gln581Glu). This variant is not present in population databases (gnomAD no frequency). This variant has not been reported in the literature in individuals affected with BARD1-related conditions. An algorithm developed to predict the effect of missense changes on protein structure and function (PolyPhen-2) suggests that this variant is likely to be disruptive.